The following is an entry in ClinVar:

NM_003719.5(PDE8B):c.224G>A (p.Gly75Asp)

Gene: PDE8B (phosphodiesterase 8B; plus strand). Cytogenetic location: 5q13.3.
Variant type: single nucleotide variant.
Coding change: c.224G>A on transcript NM_003719.5 (MANE Select); coding-DNA position 224, G replaced by A.
Protein change: p.Gly75Asp; replaces glycine 75 with aspartic acid.
Molecular consequence: missense variant. On other transcripts: 5 prime UTR variant (1), intron variant (15).
Genome position (GRCh38, 1-based): chr5:77,211,149, G>A. VCF-style: chr5-77211149-G-A. GRCh37 (hg19) VCF-style: chr5-76506974-G-A.
Other names: c.224G>A, p.Gly75Asp (NM_001029851.4, NM_001029852.4, NM_001029853.4 and 7 more transcripts); c.-146G>A (NM_001349753.2); c.-34+92628G>A (NM_001414622.1, NM_001414623.1); c.36+30663G>A (NM_001349750.3, NM_001376069.1, NM_001376062.1 and 7 more transcripts); c.-34+1103G>A (NM_001376067.1, NM_001376075.1); c.-31+1103G>A (NM_001376068.1); short protein forms G75D.
Identifiers: ClinVar variation 2662050 (VCV002662050.2), dbSNP rs2531986670, ClinGen allele CA360327112.

ClinVar aggregate classification (germline): Uncertain significance (1 of 4 stars; one submission).

Submission:

GeneDx
Classification: Uncertain significance. Last evaluated: 2025-07-10. Review status: criteria provided, single submitter. Criteria: GeneDx Variant Classification Process June 2021. Collection method: clinical testing. Allele origin: germline.
Comment: Not observed at significant frequency in large population cohorts (gnomAD); In silico analysis suggests that this missense variant does not alter protein structure/function; Has not been previously published as pathogenic or benign to our knowledge